The following is an entry in ClinVar:

NM_181872.6(DMRT2):c.232C>G (p.Pro78Ala)

Gene: DMRT2 (doublesex and mab-3 related transcription factor 2; plus strand). Cytogenetic location: 9p24.3.
Variant type: single nucleotide variant.
Coding change: c.232C>G on transcript NM_181872.6 (MANE Select); coding-DNA position 232, C replaced by G.
Protein change: p.Pro78Ala; replaces proline 78 with alanine.
Molecular consequence: missense variant. On other transcripts: 5 prime UTR variant (1), non-coding transcript variant (1).
Genome position (GRCh38, 1-based): chr9:1,051,845, C>G. VCF-style: chr9-1051845-C-G. GRCh37 (hg19) VCF-style: chr9-1051845-C-G.
Other names: c.232C>G, p.Pro78Ala (NM_001130865.3, NM_001370531.1, NM_001370533.1 and 4 more transcripts); c.-419C>G (NM_001370532.1); short protein forms P78A.
Identifiers: ClinVar variation 2899675 (VCV002899675.3), dbSNP rs1821609953, ClinGen allele CA372773289.

ClinVar aggregate classification (germline): Uncertain significance (1 of 4 stars; one submission).

Submission:

Labcorp Genetics (formerly Invitae), Labcorp
Classification: Uncertain significance. Last evaluated: 2022-12-18. Review status: criteria provided, single submitter. Criteria: Invitae Variant Classification Sherloc (09022015). Collection method: clinical testing. Allele origin: germline.
Comment: In summary, the available evidence is currently insufficient to determine the role of this variant in disease. Therefore, it has been classified as a Variant of Uncertain Significance. Algorithms developed to predict the effect of missense changes on protein structure and function are either unavailable or do not agree on the potential impact of this missense change (SIFT: "Tolerated"; PolyPhen-2: "Possibly Damaging"; Align-GVGD: "Class C0"). This variant has not been reported in the literature in individuals affected with DMRT2-related conditions. This variant is not present in population databases (gnomAD no frequency). This sequence change replaces proline, which is neutral and non-polar, with alanine, which is neutral and non-polar, at codon 78 of the DMRT2 protein (p.Pro78Ala).